The following is an entry in ClinVar:

NM_030948.6(PHACTR1):c.592G>A (p.Glu198Lys)

Gene: PHACTR1 (phosphatase and actin regulator 1; plus strand). Cytogenetic location: 6p24.1.
Variant type: single nucleotide variant.
Coding change: c.592G>A on transcript NM_030948.6 (MANE Select); coding-DNA position 592, G replaced by A.
Protein change: p.Glu198Lys; replaces glutamic acid 198 with lysine.
Molecular consequence: missense variant.
Genome position (GRCh38, 1-based): chr6:13,182,614, G>A. VCF-style: chr6-13182614-G-A. GRCh37 (hg19) VCF-style: chr6-13182846-G-A.
Other names: c.592G>A, p.Glu198Lys (NM_001242648.4, NM_001322308.3, NM_001322309.3 and 3 more transcripts); c.316G>A, p.Glu106Lys (NM_001322311.2, NM_001322312.3, NM_001322313.2 and 1 more transcripts); c.595G>A, p.Glu199Lys (NM_001322314.4); short protein forms E198K, E106K, E199K.
Identifiers: ClinVar variation 4985792 (VCV004985792.1).

ClinVar aggregate classification (germline): Uncertain significance (1 of 4 stars; one submission).

Conditions:
PHACTR1-related disorder. Also called: PHACTR1-related condition.

gnomAD v4.1: 1 of 1,611,882 alleles (0.000062%); highest among the groups gnomAD compares: Non-Finnish European, 0.000085%; no homozygotes.

Submission:

PreventionGenetics, part of Exact Sciences
Classification: Uncertain significance for PHACTR1-related condition. Last evaluated: 2026-07-17. Review status: criteria provided, single submitter. Criteria: ACMG Guidelines, 2015. Collection method: clinical testing. Allele origin: germline.
Comment: The PHACTR1 c.595G>A variant is predicted to result in the amino acid substitution p.Glu199Lys. To our knowledge, this variant has not been reported in the literature. This variant is reported in 0.00089% of alleles in individuals of European (Non-Finnish) descent in gnomAD. At this time, the clinical significance of this variant is uncertain due to the absence of conclusive functional and genetic evidence.